The following is an entry in ClinVar:

NM_003282.4(TNNI2):c.347G>A (p.Arg116His)

Gene: TNNI2 (troponin I2, fast skeletal type; plus strand). Cytogenetic location: 11p15.5.
Variant type: single nucleotide variant.
Coding change: c.347G>A on transcript NM_003282.4 (MANE Select); coding-DNA position 347, G replaced by A.
Protein change: p.Arg116His; replaces arginine 116 with histidine.
Molecular consequence: missense variant.
Genome position (GRCh38, 1-based): chr11:1,841,101, G>A. VCF-style: chr11-1841101-G-A. GRCh37 (hg19) VCF-style: chr11-1862331-G-A.
Other names: c.347G>A, p.Arg116His (NM_001145829.2, NM_001145841.2); short protein forms R116H.
Identifiers: ClinVar variation 2412922 (VCV002412922.3), dbSNP rs140107747, ClinGen allele CA5815245.

ClinVar aggregate classification (germline): Uncertain significance (1 of 4 stars; one submission).

Allele frequency attached by ClinVar (database versions not stated): gnomAD 0.00001; TOPMed 0.00002; ESP Exome Variant Server 0.00008.
gnomAD v4.1: 22 of 1,613,050 alleles (0.0014%); highest among the groups gnomAD compares: South Asian, 0.0044%; no homozygotes.

Submission:

GeneDx
Classification: Uncertain significance. Last evaluated: 2023-01-13. Review status: criteria provided, single submitter. Criteria: GeneDx Variant Classification Process June 2021. Collection method: clinical testing. Allele origin: germline. Affected: yes.
Comment: Missense variants in this gene are often considered pathogenic (HGMD); In silico analysis supports that this missense variant has a deleterious effect on protein structure/function; Has not been previously published as pathogenic or benign to our knowledge